The following is an entry in ClinVar:

ClinVar aggregate classification (germline): Uncertain significance (1 of 4 stars; one submission).

Conditions:
Hereditary insensitivity to pain with anhidrosis (CIPA). Also called: hereditary sensory and autonomic neuropathy type 4; HSAN Type IV; NEUROPATHY, CONGENITAL SENSORY, WITH ANHIDROSIS; INSENSITIVITY TO PAIN, CONGENITAL, WITH ANHIDROSIS; FAMILIAL DYSAUTONOMIA, TYPE II; NTRK1 Congenital Insensitivity to Pain with Anhidrosis. Identifiers: Orphanet 642, MedGen C0020074, MONDO:0009746, OMIM 256800.

Submission:

Labcorp Genetics (formerly Invitae), Labcorp
Classification: Uncertain significance for Hereditary insensitivity to pain with anhidrosis. Last evaluated: 2022-08-15. Review status: criteria provided, single submitter. Criteria: Invitae Variant Classification Sherloc (09022015). Collection method: clinical testing. Allele origin: germline.
Comment: This sequence change replaces cysteine, which is neutral and slightly polar, with tryptophan, which is neutral and slightly polar, at codon 733 of the NTRK1 protein (p.Cys733Trp). In summary, the available evidence is currently insufficient to determine the role of this variant in disease. Therefore, it has been classified as a Variant of Uncertain Significance. Algorithms developed to predict the effect of sequence changes on RNA splicing suggest that this variant may disrupt the consensus splice site. Advanced modeling of protein sequence and biophysical properties (such as structural, functional, and spatial information, amino acid conservation, physicochemical variation, residue mobility, and thermodynamic stability) performed at Invitae indicates that this missense variant is not expected to disrupt NTRK1 protein function. This variant has not been reported in the literature in individuals affected with NTRK1-related conditions. This variant is not present in population databases (gnomAD no frequency).

NM_002529.4(NTRK1):c.2217C>G (p.Cys739Trp)

Gene: NTRK1 (neurotrophic receptor tyrosine kinase 1; plus strand). Cytogenetic location: 1q23.1.
Variant type: single nucleotide variant.
Coding change: c.2217C>G on transcript NM_002529.4 (MANE Select); coding-DNA position 2217, C replaced by G.
Protein change: p.Cys739Trp; replaces cysteine 739 with tryptophan.
Molecular consequence: missense variant.
Genome position (GRCh38, 1-based): chr1:156,881,468, C>G. VCF-style: chr1-156881468-C-G. GRCh37 (hg19) VCF-style: chr1-156851260-C-G.
Other names: c.2217C>G, p.Cys739Trp (NM_001007204.1); c.2109C>G, p.Cys703Trp (NM_001007792.1); c.2199C>G, p.Cys733Trp (NM_001012331.2); short protein forms C703W, C733W, C739W.
Identifiers: ClinVar variation 2170903 (VCV002170903.4), dbSNP rs777301558, ClinGen allele CA342941336.
Genomic context (GRCh38, chr1:156,881,468, plus strand): 5'-TTGCCCCCAGCCTAGTGGGCTTTCTCCTCTGTCTCTCCGGTGGCCCCAGGCAATCGACTG[C>G]ATCACGCAGGGACGTGAGTTGGAGCGGCCACGTGCCTGCCCACCAGAGGTCTACGCCATC-3'
Protein context (NP_002520.2, residues 729-749): YQLSNTEAID[Cys739Trp]ITQGRELERP